The following is an entry in ClinVar:

ClinVar aggregate classification (germline): Uncertain significance (1 of 4 stars; one submission).

Allele frequency attached by ClinVar (database versions not stated): gnomAD 0.00002; TOPMed 0.00002; ExAC 0.00003; 1000 Genomes Project 0.00020; 1000 Genomes Project 30x 0.00031.
gnomAD v4.1: 19 of 1,614,028 alleles (0.0012%); highest among the groups gnomAD compares: Admixed American, 0.018%; no homozygotes.

Submission:

Labcorp Genetics (formerly Invitae), Labcorp
Classification: Uncertain significance. Last evaluated: 2024-08-13. Review status: criteria provided, single submitter. Criteria: Invitae Variant Classification Sherloc (09022015). Collection method: clinical testing. Allele origin: germline.
Comment: This sequence change creates a premature translational stop signal (p.Arg973*) in the EPHA4 gene. It is expected to result in an absent or disrupted protein product. However, the current clinical and genetic evidence is not sufficient to establish whether loss-of-function variants in EPHA4 cause disease. This variant is present in population databases (rs202216669, gnomAD 0.02%). This variant has not been reported in the literature in individuals affected with EPHA4-related conditions. In summary, the available evidence is currently insufficient to determine the role of this variant in disease. Therefore, it has been classified as a Variant of Uncertain Significance.

NM_004438.5(EPHA4):c.2917C>T (p.Arg973Ter)

Genes: EPHA4 (EPH receptor A4; minus strand), LOC126806527 (BRD4-independent group 4 enhancer GRCh37_chr2:222289669-222290868; plus strand). Cytogenetic location: 2q36.1.
Variant type: single nucleotide variant.
Coding change: c.2917C>T on transcript NM_004438.5 (MANE Select); coding-DNA position 2917, C replaced by T.
Protein change: p.Arg973Ter; replaces arginine 973 with a stop codon.
Molecular consequence: nonsense. On other transcripts: 3 prime UTR variant (1).
Genome position (GRCh38, 1-based): chr2:221,426,072, G>A on the plus strand (C>T on the coding strand, the complement: EPHA4 is on the minus strand). VCF-style: chr2-221426072-G-A. GRCh37 (hg19) VCF-style: chr2-222290792-G-A.
Other names: c.2917C>T, p.Arg973Ter (NM_001304536.2); c.2764C>T, p.Arg922Ter (NM_001304537.2); c.*96C>T (NM_001363748.2); short protein forms R973*, R922*.
Identifiers: ClinVar variation 3007722 (VCV003007722.3), dbSNP rs202216669, ClinGen allele CA2134631.